The following is an entry in ClinVar:

NM_032207.4(C19orf44):c.1168C>T (p.Gln390Ter)

Gene: C19orf44 (chromosome 19 open reading frame 44; plus strand). Cytogenetic location: 19p13.11.
Variant type: single nucleotide variant.
Coding change: c.1168C>T on transcript NM_032207.4 (MANE Select); coding-DNA position 1168, C replaced by T.
Protein change: p.Gln390Ter; replaces glutamine 390 with a stop codon.
Molecular consequence: nonsense.
Genome position (GRCh38, 1-based): chr19:16,509,517, C>T. VCF-style: chr19-16509517-C-T. GRCh37 (hg19) VCF-style: chr19-16620328-C-T.
Other names: c.1168C>T, p.Gln390Ter (NM_001288834.2); short protein forms Q390*.
Identifiers: ClinVar variation 4854099 (VCV004854099.1).

ClinVar aggregate classification (germline): Uncertain significance (1 of 4 stars; one submission).

Conditions:
C19orf44-related disorder.

Submission:

3billion
Classification: Uncertain significance for C19orf44-related disorder. Last evaluated: 2025-09-21. Review status: criteria provided, single submitter. Criteria: ACMG Guidelines, 2015. Collection method: clinical testing. Allele origin: germline. Affected: yes.
Comment: The variant is observed at an extremely low frequency in the gnomAD v4.1.0 dataset (total allele frequency: 0.012%). Predicted Consequence/Location: Stop gained (nonsense) variant Therefore, this variant is classified as VUS according to the recommendation of ACMG/AMP guideline.